The following is an entry in ClinVar:

ClinVar aggregate classification (germline): Uncertain significance. Review status: criteria provided, multiple submitters, no conflicts (2 of 4 stars). 4 submissions from 4 submitters: Uncertain significance (3). 1 of the submissions does not count toward it. Last evaluated 2026-05-17.

Conditions:
Bardet-Biedl syndrome 1 (BBS1). Identifiers: MedGen C2936862, MONDO:0008854, OMIM 209900. Disease mechanism: loss of function.
Bardet-Biedl syndrome (BBS). Identifiers: Orphanet 110, MedGen C0752166, MONDO:0015229.
BBS5-related disorder. Also called: BBS5-related condition.

Allele frequency attached by ClinVar (database versions not stated): ExAC 0.00002; gnomAD exomes 0.00002 and 0.00003.
gnomAD v4.1: 49 of 1,608,156 alleles (0.003%); highest among the groups gnomAD compares: Non-Finnish European, 0.0037%; 2 homozygotes.

Submissions (4):

PreventionGenetics, part of Exact Sciences
Classification: Uncertain significance for BBS5-related condition. Last evaluated: 2026-05-17. Review status: criteria provided, single submitter. Criteria: ACMG Guidelines, 2015. Collection method: clinical testing. Allele origin: germline.
Comment: The BBS5 c.226A>G variant is predicted to result in the amino acid substitution p.Ile76Val. This variant has been reported in an individual with Bardet-Biedl syndrome (Table 2. Khan et al. 2023. PubMed ID: 37293956). This variant is reported in 0.0026% of alleles in individuals of European (Non-Finnish) descent in gnomAD. Although we suspect that this variant may be benign, at this time, the clinical significance of this variant is uncertain due to the absence of conclusive functional and genetic evidence.

Blueprint Genetics
Classification: Uncertain significance. Last evaluated: 2024-10-22. Review status: criteria provided, single submitter. Criteria: ACMG Guidelines, 2015. Collection method: clinical testing. Allele origin: germline.

Labcorp Genetics (formerly Invitae), Labcorp
Classification: Uncertain significance for Bardet-Biedl syndrome. Last evaluated: 2024-09-04. Review status: criteria provided, single submitter. Criteria: Invitae Variant Classification Sherloc (09022015). Collection method: clinical testing. Allele origin: germline.
Comment: This sequence change replaces isoleucine, which is neutral and non-polar, with valine, which is neutral and non-polar, at codon 76 of the BBS5 protein (p.Ile76Val). This variant is present in population databases (rs763696357, gnomAD 0.0009%). This missense change has been observed in individual(s) with clinical features of BBS5-related conditions (PMID: 37293956). ClinVar contains an entry for this variant (Variation ID: 1477215). Invitae Evidence Modeling of protein sequence and biophysical properties (such as structural, functional, and spatial information, amino acid conservation, physicochemical variation, residue mobility, and thermodynamic stability) indicates that this missense variant is not expected to disrupt BBS5 protein function with a negative predictive value of 80%. In summary, the available evidence is currently insufficient to determine the role of this variant in disease. Therefore, it has been classified as a Variant of Uncertain Significance.

Advanced Center For Translational And Genetic Medicine, Ann & Robert H. Lurie Children's Hospital Of Chicago
Classification: Uncertain significance for Bardet-Biedl syndrome 1. Last evaluated: 2023-05-10. Review status: no assertion criteria provided. Collection method: research. Allele origin: unknown. Affected: yes. Observed: 1 heterozygote. Not counted in ClinVar's aggregate classification.

Literature cited by the submitters: PubMed 37293956 (cited by Labcorp Genetics (formerly Invitae), Labcorp).

NM_152384.3(BBS5):c.226A>G (p.Ile76Val)

Gene: BBS5 (Bardet-Biedl syndrome 5; plus strand). Cytogenetic location: 2q31.1.
Variant type: single nucleotide variant.
Coding change: c.226A>G on transcript NM_152384.3 (MANE Select); coding-DNA position 226, A replaced by G.
Protein change: p.Ile76Val; replaces isoleucine 76 with valine.
Molecular consequence: missense variant.
Genome position (GRCh38, 1-based): chr2:169,487,823, A>G. VCF-style: chr2-169487823-A-G. GRCh37 (hg19) VCF-style: chr2-170344333-A-G.
Other names: c.226A>G (NM_152384.2); short protein forms I76V.
Identifiers: ClinVar variation 1477215 (VCV001477215.7), dbSNP rs763696357, ClinGen allele CA1956159.